The following is an entry in ClinVar:

NM_001039958.2(MESP2):c.545_549del (p.Gln182fs)

Gene: MESP2 (mesoderm posterior bHLH transcription factor 2; plus strand). Cytogenetic location: 15q26.1.
Variant type: Deletion.
Coding change: c.545_549del on transcript NM_001039958.2 (MANE Select); coding-DNA positions 545 to 549, 5 bases deleted (AAGGG; older notation c.545_549delAAGGG).
Protein change: p.Gln182fs; shifts the reading frame from glutamine 182.
Molecular consequence: frameshift variant.
Genome position (GRCh38, 1-based): chr15:89,776,902-89,776,906, AAGGG deleted. VCF-style (leftmost placement, unchanged base first): chr15-89776901-CAAGGG-C. GRCh37 (hg19) VCF-style: chr15-90320132-CAAGGG-C.
Other names: short protein forms Q182fs.
Identifiers: ClinVar variation 4814569 (VCV004814569.1).
Genomic context (GRCh38, chr15:89,776,901, plus strand): 5'-TGCCCGCTGTGCCCCGACCGTGGCCCCGCAGAGGCGCAGACGCAGGCGGAGGGGCAGGGG[CAAGGG>C]CAGGGGCAGGGGCAGGGGCAAGGGCAGGGGCAAGGACAGGGGCAAGGACAGGGGCAAGGG-3'

ClinVar aggregate classification (germline): Likely pathogenic (1 of 4 stars; one submission).

Conditions:
Spondylocostal dysostosis 2, autosomal recessive (SCDO2). Also called: MESP2-Related Spondylocostal Dysostosis, Autosomal Recessive; Spondylocostal dysostosis type 2. Identifiers: Orphanet 2311, MedGen C1837549, MONDO:0012097, OMIM 608681.

Submission:

Natera, Inc.
Classification: Likely pathogenic for Spondylocostal dysostosis type 2. Last evaluated: 2025-04-23. Review status: criteria provided, single submitter. Criteria: Natera Variant Classification Schema (03/2026). Collection method: clinical testing. Allele origin: germline.
Comment: The c.545_549delAAGGG variant in MESP2 is a frameshift variant predicted to shift the reading frame beginning at codon 182 and leads to a stop codon 183 codons downstream. This variant is expected to result in nonsense mediated decay, truncation, or a dysfunctional protein product. This variant is rare in the general population with a frequency below the threshold expected for the associated phenotype(s). Given the available evidence, this variant is classified as Likely Pathogenic.